The following is an entry in ClinVar:

NM_130849.4(SLC39A4):c.1357C>T (p.Gln453Ter)

Gene: SLC39A4 (solute carrier family 39 member 4; minus strand). Cytogenetic location: 8q24.3.
Variant type: single nucleotide variant.
Coding change: c.1357C>T on transcript NM_130849.4 (MANE Select); coding-DNA position 1357, C replaced by T.
Protein change: p.Gln453Ter; replaces glutamine 453 with a stop codon.
Molecular consequence: nonsense.
Genome position (GRCh38, 1-based): chr8:144,413,812, G>A on the plus strand (C>T on the coding strand, the complement: SLC39A4 is on the minus strand). VCF-style: chr8-144413812-G-A. GRCh37 (hg19) VCF-style: chr8-145639196-G-A.
Other names: c.1075C>T, p.Gln359Ter (NM_001374839.1); c.1282C>T, p.Gln428Ter (NM_017767.3); short protein forms Q428*, Q453*, Q359*.
Identifiers: ClinVar variation 1448897 (VCV001448897.6), dbSNP rs1822017858, ClinGen allele CA372619306.

ClinVar aggregate classification (germline): Pathogenic (1 of 4 stars; one submission).

Submission:

Labcorp Genetics (formerly Invitae), Labcorp
Classification: Pathogenic. Last evaluated: 2020-11-11. Review status: criteria provided, single submitter. Criteria: Invitae Variant Classification Sherloc (09022015). Collection method: clinical testing. Allele origin: germline.
Comment: This sequence change creates a premature translational stop signal (p.Gln453*) in the SLC39A4 gene. It is expected to result in an absent or disrupted protein product. Loss-of-function variants in SLC39A4 are known to be pathogenic (PMID: 12955721). This variant is not present in population databases (ExAC no frequency). This variant has not been reported in the literature in individuals with SLC39A4-related conditions. For these reasons, this variant has been classified as Pathogenic.

Literature cited by the submitters: PubMed 12955721.